The following is an entry in ClinVar:

ClinVar aggregate classification (germline): Likely benign (1 of 4 stars; one submission).

gnomAD v4.1: 10 of 1,597,076 alleles (0.00063%); highest among the groups gnomAD compares: Non-Finnish European, 0.00085%; no homozygotes.

Submission:

CeGaT Center for Human Genetics Tuebingen
Classification: Likely benign. Last evaluated: 2022-03-01. Review status: criteria provided, single submitter. Criteria: CeGaT Center For Human Genetics Tuebingen Variant Classification Criteria Version 2. Collection method: clinical testing. Allele origin: germline. Affected: yes. Observed: 1 variant allele.
Comment: ATP6V1B2: BP4, BP7

NM_001693.4(ATP6V1B2):c.1416T>G (p.Thr472=)

Gene: ATP6V1B2 (ATPase H+ transporting V1 subunit B2; plus strand). Cytogenetic location: 8p21.3.
Variant type: single nucleotide variant.
Coding change: c.1416T>G on transcript NM_001693.4 (MANE Select); coding-DNA position 1416, T replaced by G.
Protein change: p.Thr472=; no amino-acid change (threonine 472 retained).
Molecular consequence: synonymous variant.
Genome position (GRCh38, 1-based): chr8:20,220,282, T>G. VCF-style: chr8-20220282-T-G. GRCh37 (hg19) VCF-style: chr8-20077793-T-G.
Identifiers: ClinVar variation 2658459 (VCV002658459.24), dbSNP rs1376408386, ClinGen allele CA459687137.